The following is an entry in ClinVar:

NM_000090.4(COL3A1):c.205G>A (p.Asp69Asn)

Gene: COL3A1 (collagen type III alpha 1 chain; plus strand). Cytogenetic location: 2q32.2.
Variant type: single nucleotide variant.
Coding change: c.205G>A on transcript NM_000090.4 (MANE Select); coding-DNA position 205, G replaced by A.
Protein change: p.Asp69Asn; replaces aspartic acid 69 with asparagine.
Molecular consequence: missense variant.
Genome position (GRCh38, 1-based): chr2:188,984,885, G>A. VCF-style: chr2-188984885-G-A. GRCh37 (hg19) VCF-style: chr2-189849611-G-A.
Other names: short protein forms D69N.
Identifiers: ClinVar variation 1512542 (VCV001512542.9), dbSNP rs112714742, ClinGen allele CA074965.

ClinVar aggregate classification (germline): Uncertain significance. Review status: criteria provided, multiple submitters, no conflicts (2 of 4 stars). 4 submissions from 4 submitters: Uncertain significance (4). Last evaluated 2024-08-14.

Conditions:
Ehlers-Danlos syndrome, type 4 (EDSVASC). Also called: Ehlers-Danlos syndrome vascular type; Ehlers Danlos syndrome, ecchymotic type; Ehlers Danlos syndrome, arterial type; Ehlers Danlos syndrome, Sack-Barabas type; Ehlers-Danlos Syndrome Type IV. Identifiers: Orphanet 286, MedGen C0268338, MONDO:0017314, OMIM 130050.
Polymicrogyria with or without vascular-type Ehlers-Danlos syndrome. Identifiers: Orphanet 636941, MedGen C5193040, MONDO:0032688, OMIM 618343.
Familial thoracic aortic aneurysm and aortic dissection (TAAD). Also called: Thoracic aortic aneurysms and dissections. Identifiers: Orphanet 91387, MedGen C4707243, MONDO:0019625.

Allele frequency attached by ClinVar (database versions not stated): gnomAD exomes 0.00001; TOPMed 0.00001; ExAC 0.00002; 1000 Genomes Project 30x 0.00016; 1000 Genomes Project 0.00020.
gnomAD v4.1: 9 of 1,613,182 alleles (0.00056%); highest among the groups gnomAD compares: Admixed American, 0.0017%; no homozygotes.

Submissions (4):

Labcorp Genetics (formerly Invitae), Labcorp
Classification: Uncertain significance for Ehlers-Danlos syndrome, type 4. Last evaluated: 2024-08-14. Review status: criteria provided, single submitter. Criteria: Invitae Variant Classification Sherloc (09022015). Collection method: clinical testing. Allele origin: germline.
Comment: This sequence change replaces aspartic acid, which is acidic and polar, with asparagine, which is neutral and polar, at codon 69 of the COL3A1 protein (p.Asp69Asn). This variant is present in population databases (rs112714742, gnomAD 0.004%). This variant has not been reported in the literature in individuals affected with COL3A1-related conditions. ClinVar contains an entry for this variant (Variation ID: 1512542). Invitae Evidence Modeling of protein sequence and biophysical properties (such as structural, functional, and spatial information, amino acid conservation, physicochemical variation, residue mobility, and thermodynamic stability) indicates that this missense variant is not expected to disrupt COL3A1 protein function with a negative predictive value of 95%. In summary, the available evidence is currently insufficient to determine the role of this variant in disease. Therefore, it has been classified as a Variant of Uncertain Significance.

All of Us Research Program, National Institutes of Health
Classification: Uncertain significance for Ehlers-Danlos syndrome, type 4. Last evaluated: 2024-05-14. Review status: criteria provided, single submitter. Criteria: ACMG Guidelines, 2015. Collection method: clinical testing. Allele origin: germline. Inheritance: Autosomal dominant inheritance. Observed: 5 variant alleles, 5 heterozygotes.
Comment: This missense variant replaces aspartic acid with asparagine at codon 69 of the COL3A1 protein. Computational prediction suggests that this variant may not impact protein structure and function (internally defined REVEL score threshold <= 0.5, PMID: 27666373). To our knowledge, functional studies have not been reported for this variant. This variant has not been reported in individuals affected with cardiovascular disorders in the literature. This variant has been identified in 3/282098 chromosomes in the general population by the Genome Aggregation Database (gnomAD). The available evidence is insufficient to determine the role of this variant in disease conclusively. Therefore, this variant is classified as a Variant of Uncertain Significance.

This study involves interpretation of variants in research participants for the purpose of population health screening. Participant phenotype was not available at the time of variant classification. Additional details can be found in publication PMID: 35346344, PMCID: PMC8962531

Color Diagnostics, LLC DBA Color Health
Classification: Uncertain significance for Familial thoracic aortic aneurysm and aortic dissection. Last evaluated: 2024-03-06. Review status: criteria provided, single submitter. Criteria: ACMG Guidelines, 2015. Collection method: clinical testing. Allele origin: germline.
Comment: This missense variant replaces aspartic acid with asparagine at codon 69 of the COL3A1 protein. Computational prediction suggests that this variant may not impact protein structure and function (internally defined REVEL score threshold <= 0.5, PMID: 27666373). To our knowledge, functional studies have not been reported for this variant. This variant has not been reported in individuals affected with COL3A1-related disorders in the literature. This variant has been identified in 3/282098 chromosomes in the general population by the Genome Aggregation Database (gnomAD). The available evidence is insufficient to determine the role of this variant in disease conclusively. Therefore, this variant is classified as a Variant of Uncertain Significance.

Fulgent Genetics
Classification: Uncertain significance for Ehlers-Danlos syndrome, type 4; Polymicrogyria with or without vascular-type Ehlers-Danlos syndrome. Last evaluated: 2021-08-09. Review status: criteria provided, single submitter. Criteria: ACMG Guidelines, 2015. Collection method: clinical testing. Allele origin: unknown.